The following is an entry in ClinVar:

ClinVar aggregate classification (germline): Likely benign (1 of 4 stars; one submission).

Conditions:
Neuroblastoma (NB). Identifiers: Orphanet 635, MedGen C0027819, MeSH D009447, MONDO:0005072, HP:0003006.

Allele frequency attached by ClinVar (database versions not stated): TOPMed 0.00015; gnomAD exomes 0.00016; gnomAD 0.00017 and 0.00018; 1000 Genomes Project 30x 0.00031; 1000 Genomes Project 0.00040.
gnomAD v4.1: 37 of 220,394 alleles (0.017%); highest among the groups gnomAD compares: Non-Finnish European, 0.029%; no homozygotes.

Submission:

Illumina Laboratory Services, Illumina
Classification: Likely benign for Neuroblastoma. Last evaluated: 2018-01-13. Review status: criteria provided, single submitter. Criteria: ICSL Variant Classification Criteria 13 December 2019. Collection method: clinical testing. Allele origin: germline.
Comment: This variant was observed in the ICSL laboratory as part of a predisposition screen in an ostensibly healthy population. It had not been previously curated by ICSL or reported in the Human Gene Mutation Database (HGMD: prior to June 1st, 2018), and was therefore a candidate for classification through an automated scoring system. Utilizing variant allele frequency, disease prevalence and penetrance estimates, and inheritance mode, an automated score was calculated to assess if this variant is too frequent to cause the disease. Based on the score and internal cut-off values, a variant classified as likely benign is not then subjected to further curation. The score for this variant resulted in a classification of likely benign for this disease.

NM_001365951.3(KIF1B):c.*4238G>T

Gene: KIF1B (kinesin family member 1B; plus strand). Cytogenetic location: 1p36.22.
Variant type: single nucleotide variant.
Coding change: c.*4238G>T on transcript NM_001365951.3 (MANE Select); 4238 bases downstream of the stop codon, G replaced by T.
Molecular consequence: 3 prime UTR variant.
Genome position (GRCh38, 1-based): chr1:10,380,825, G>T. VCF-style: chr1-10380825-G-T. GRCh37 (hg19) VCF-style: chr1-10440883-G-T.
Other names: c.*4238G>T (NM_001365952.1, NM_015074.3).
Identifiers: ClinVar variation 876402 (VCV000876402.4), dbSNP rs544754092, ClinGen allele CA17860374.